The following is an entry in ClinVar:

ClinVar aggregate classification (germline): Uncertain significance. Review status: criteria provided, multiple submitters, no conflicts (2 of 4 stars). 2 submissions from 2 submitters: Uncertain significance (2). Last evaluated 2023-09-14.

Conditions:
Inborn genetic diseases. Identifiers: MedGen C0950123, MeSH D030342.
Griscelli syndrome type 2 (GS2). Also called: PAID SYNDROME; PARTIAL ALBINISM AND IMMUNODEFICIENCY SYNDROME; GRISCELLI SYNDROME WITH HEMOPHAGOCYTIC SYNDROME. Identifiers: Orphanet 381, Orphanet 79477, MedGen C1868679, MONDO:0011872, OMIM 607624.

Allele frequency attached by ClinVar (database versions not stated): TOPMed below 0.00001.

Submissions (2):

Ambry Genetics
Classification: Uncertain significance for Inborn genetic diseases. Last evaluated: 2023-09-14. Review status: criteria provided, single submitter. Criteria: Ambry Variant Classification Scheme 2023. Collection method: clinical testing. Allele origin: germline.

Labcorp Genetics (formerly Invitae), Labcorp
Classification: Uncertain significance for Griscelli syndrome type 2. Last evaluated: 2022-08-23. Review status: criteria provided, single submitter. Criteria: Invitae Variant Classification Sherloc (09022015). Collection method: clinical testing. Allele origin: germline.
Comment: This sequence change replaces alanine, which is neutral and non-polar, with serine, which is neutral and polar, at codon 205 of the RAB27A protein (p.Ala205Ser). This variant is not present in population databases (gnomAD no frequency). This variant has not been reported in the literature in individuals affected with RAB27A-related conditions. ClinVar contains an entry for this variant (Variation ID: 852095). Advanced modeling of protein sequence and biophysical properties (such as structural, functional, and spatial information, amino acid conservation, physicochemical variation, residue mobility, and thermodynamic stability) performed at Invitae indicates that this missense variant is not expected to disrupt RAB27A protein function. In summary, the available evidence is currently insufficient to determine the role of this variant in disease. Therefore, it has been classified as a Variant of Uncertain Significance.

NM_183235.3(RAB27A):c.613G>T (p.Ala205Ser)

Gene: RAB27A (RAB27A, member RAS oncogene family; minus strand). Cytogenetic location: 15q21.3.
Variant type: single nucleotide variant.
Coding change: c.613G>T on transcript NM_183235.3 (MANE Select); coding-DNA position 613, G replaced by T.
Protein change: p.Ala205Ser; replaces alanine 205 with serine.
Molecular consequence: missense variant.
Genome position (GRCh38, 1-based): chr15:55,205,560, C>A on the plus strand (G>T on the coding strand, the complement: RAB27A is on the minus strand). VCF-style: chr15-55205560-C-A. GRCh37 (hg19) VCF-style: chr15-55497758-C-A.
Other names: c.613G>T, p.Ala205Ser (NM_004580.5, NM_183234.3, NM_183236.3); short protein forms A205S.
Identifiers: ClinVar variation 852095 (VCV000852095.8), dbSNP rs928880499, ClinGen allele CA271242129.